The following is an entry in ClinVar:

ClinVar aggregate classification (germline): Uncertain significance. Review status: criteria provided, multiple submitters, no conflicts (2 of 4 stars). 2 submissions from 2 submitters: Uncertain significance (2). Last evaluated 2024-03-23.

Conditions:
Charcot-Marie-Tooth disease, type I (CMT1). Also called: Charcot-Marie-Tooth disease type 1; Charcot-Marie-Tooth, Type 1. Identifiers: Orphanet 65753, MedGen C0751036, MONDO:0019011.

Submissions (2):

Labcorp Genetics (formerly Invitae), Labcorp
Classification: Uncertain significance for Charcot-Marie-Tooth disease, type I. Last evaluated: 2024-03-23. Review status: criteria provided, single submitter. Criteria: Invitae Variant Classification Sherloc (09022015). Collection method: clinical testing. Allele origin: germline.
Comment: This sequence change replaces isoleucine, which is neutral and non-polar, with methionine, which is neutral and non-polar, at codon 24 of the PMP22 protein (p.Ile24Met). This variant is not present in population databases (gnomAD no frequency). This variant has not been reported in the literature in individuals affected with PMP22-related conditions. ClinVar contains an entry for this variant (Variation ID: 1304277). Advanced modeling of protein sequence and biophysical properties (such as structural, functional, and spatial information, amino acid conservation, physicochemical variation, residue mobility, and thermodynamic stability) performed at Invitae indicates that this missense variant is not expected to disrupt PMP22 protein function with a negative predictive value of 95%. In summary, the available evidence is currently insufficient to determine the role of this variant in disease. Therefore, it has been classified as a Variant of Uncertain Significance.

GeneDx
Classification: Uncertain significance. Last evaluated: 2019-05-03. Review status: criteria provided, single submitter. Criteria: GeneDx Variant Classification Process June 2021. Collection method: clinical testing. Allele origin: germline. Affected: yes.
Comment: Not observed in large population cohorts (Lek et al., 2016); In silico analysis, which includes protein predictors and evolutionary conservation, supports that this variant does not alter protein structure/function; Has not been previously published as pathogenic or benign to our knowledge

NM_000304.4(PMP22):c.72C>G (p.Ile24Met)

Gene: PMP22 (peripheral myelin protein 22; minus strand). Cytogenetic location: 17p12.
Variant type: single nucleotide variant.
Coding change: c.72C>G on transcript NM_000304.4 (MANE Select); coding-DNA position 72, C replaced by G.
Protein change: p.Ile24Met; replaces isoleucine 24 with methionine.
Molecular consequence: missense variant.
Genome position (GRCh38, 1-based): chr17:15,260,656, G>C on the plus strand (C>G on the coding strand, the complement: PMP22 is on the minus strand). VCF-style: chr17-15260656-G-C. GRCh37 (hg19) VCF-style: chr17-15163973-G-C.
Other names: c.72C>G, p.Ile24Met (NM_001281455.2, NM_001281456.2, NM_001330143.2 and 2 more transcripts); short protein forms I24M.
Identifiers: ClinVar variation 1304277 (VCV001304277.5), dbSNP rs371373574, ClinGen allele CA398271663.